The following is an entry in ClinVar:

ClinVar aggregate classification (germline): Uncertain significance (1 of 4 stars; one submission).

Submission:

Women's Health and Genetics/Laboratory Corporation of America, LabCorp
Classification: Uncertain significance. Last evaluated: 2023-03-15. Review status: criteria provided, single submitter. Criteria: LabCorp Variant Classification Summary - May 2015. Collection method: clinical testing. Allele origin: germline.
Comment: Variant summary: The variant identified by MLPA or other technology involves the deletion of exons 5-6 in the CAMK2A gene. A presumed nomenclature of c.(272+1_273-1)_(411+1_412-1)del has been designated for the purposes of this classification. Although exact breakpoints of this deletion are not known, it is expected to result in a frameshift in the CAMK2A gene, where Loss-of-function is not a known mechanism of disease. The variant was absent in 249626 control chromosomes in the gnomAD database, structural variants dataset. The available data on variant occurrences in the general population are insufficient to allow any conclusion about variant significance. To our knowledge, no occurrence of c.(272+1_273-1)_(411+1_412-1)del in individuals affected with Intellectual Disability, Autosomal Dominant 53 and no experimental evidence demonstrating its impact on protein function have been reported. No clinical diagnostic laboratories have submitted clinical-significance assessments for this variant to ClinVar after 2014. Based on the evidence outlined above, the variant was classified as uncertain significance.

NC_000005.9:g.(149633110_149636135)_(149636395_149637125)del

Gene: CAMK2A (calcium/calmodulin dependent protein kinase II alpha; minus strand). Cytogenetic location: 5q32.
Variant type: Deletion.
Identifiers: ClinVar variation 2501218 (VCV002501218.1).